The following is an entry in ClinVar:

NM_001291303.3(FAT4):c.5355T>G (p.Asp1785Glu)

Gene: FAT4 (FAT atypical cadherin 4; plus strand). Cytogenetic location: 4q28.1.
Variant type: single nucleotide variant.
Coding change: c.5355T>G on transcript NM_001291303.3 (MANE Select); coding-DNA position 5355, T replaced by G.
Protein change: p.Asp1785Glu; replaces aspartic acid 1785 with glutamic acid.
Molecular consequence: missense variant.
Genome position (GRCh38, 1-based): chr4:125,406,927, T>G. VCF-style: chr4-125406927-T-G. GRCh37 (hg19) VCF-style: chr4-126328082-T-G.
Other names: c.5355T>G, p.Asp1785Glu (NM_001291285.3, NM_024582.6); short protein forms D1785E.
Identifiers: ClinVar variation 1524487 (VCV001524487.8), dbSNP rs778606448, ClinGen allele CA104848066.

ClinVar aggregate classification (germline): Uncertain significance. Review status: criteria provided, multiple submitters, no conflicts (2 of 4 stars). 2 submissions from 2 submitters: Uncertain significance (2). Last evaluated 2024-04-05.

Conditions:
Van Maldergem syndrome 2 (VMLDS2). Identifiers: Orphanet 314679, MedGen C3809875, MONDO:0014242, OMIM 615546.
Hennekam lymphangiectasia-lymphedema syndrome 2 (HKLLS2). Identifiers: Orphanet 2136, MedGen C4014939, MONDO:0014454, OMIM 616006.

Allele frequency attached by ClinVar (database versions not stated): gnomAD exomes below 0.00001; gnomAD 0.00001; TOPMed 0.00002.
gnomAD v4.1: 11 of 1,613,862 alleles (0.00068%); highest among the groups gnomAD compares: African/African-American, 0.0093%; no homozygotes.

Submissions (2):

Fulgent Genetics
Classification: Uncertain significance for Van Maldergem syndrome 2; Hennekam lymphangiectasia-lymphedema syndrome 2. Last evaluated: 2024-04-05. Review status: criteria provided, single submitter. Criteria: ACMG Guidelines, 2015. Collection method: clinical testing. Allele origin: germline.

Labcorp Genetics (formerly Invitae), Labcorp
Classification: Uncertain significance. Last evaluated: 2023-12-07. Review status: criteria provided, single submitter. Criteria: Invitae Variant Classification Sherloc (09022015). Collection method: clinical testing. Allele origin: germline.
Comment: This sequence change replaces aspartic acid, which is acidic and polar, with glutamic acid, which is acidic and polar, at codon 1785 of the FAT4 protein (p.Asp1785Glu). This variant is not present in population databases (gnomAD no frequency). This variant has not been reported in the literature in individuals affected with FAT4-related conditions. ClinVar contains an entry for this variant (Variation ID: 1524487). Advanced modeling of protein sequence and biophysical properties (such as structural, functional, and spatial information, amino acid conservation, physicochemical variation, residue mobility, and thermodynamic stability) has been performed at Invitae for this missense variant, however the output from this modeling did not meet the statistical confidence thresholds required to predict the impact of this variant on FAT4 protein function. In summary, the available evidence is currently insufficient to determine the role of this variant in disease. Therefore, it has been classified as a Variant of Uncertain Significance.